The following is an entry in ClinVar:

NM_213655.5(WNK1):c.2829G>T (p.Gln943His)

Gene: WNK1 (WNK lysine deficient protein kinase 1; plus strand). Cytogenetic location: 12p13.33.
Variant type: single nucleotide variant.
Coding change: c.2829G>T on transcript NM_213655.5 (MANE Plus Clinical); coding-DNA position 2829, G replaced by T.
Protein change: p.Gln943His; replaces glutamine 943 with histidine.
Molecular consequence: missense variant. On other transcripts: intron variant (2).
Genome position (GRCh38, 1-based): chr12:868,300, G>T. VCF-style: chr12-868300-G-T. GRCh37 (hg19) VCF-style: chr12-977466-G-T.
Other names: c.2574G>T, p.Gln858His (NM_001184985.2); c.2140-2965G>T (NM_018979.4, NM_014823.3); short protein forms Q858H, Q943H.
Identifiers: ClinVar variation 3063789 (VCV003063789.1), dbSNP rs754731225, ClinGen allele CA383339709.

ClinVar aggregate classification (germline): Likely benign (1 of 4 stars; one submission).

gnomAD v4.1: 3 of 1,609,232 alleles (0.00019%); highest among the groups gnomAD compares: Non-Finnish European, 0.00025%; no homozygotes.

Submission:

Women's Health and Genetics/Laboratory Corporation of America, LabCorp
Classification: Likely benign. Last evaluated: 2024-01-05. Review status: criteria provided, single submitter. Criteria: LabCorp Variant Classification Summary - May 2015. Collection method: clinical testing. Allele origin: germline.
Comment: Variant summary: WNK1 c.2140-2965G>T is located at a position not widely known to affect splicing, however, also corresponds to NM_213655: c.2829G>T (p.Q943H), where it is located in a poorly expressed exon (GTEx Portal database). Consensus agreement among computation tools predict no significant impact on normal splicing. However, these predictions have yet to be confirmed by functional studies. The variant allele was found at a frequency of 2.1e-06 in 1456950 control chromosomes (i.e., 3 alleles, no homozyotes; gnomAD v4.0.0). The available data on variant occurrences in the general population are insufficient to allow any conclusion about variant significance. To our knowledge, no occurrence of c.2140-2965G>T in individuals affected with Neuropathy, Hereditary Sensory And Autonomic, Type 2A and no experimental evidence demonstrating its impact on protein function have been reported. No submitters have reported clinical-significance assessments for this variant to ClinVar. Based on the evidence outlined above, the variant was classified as likely benign.